The following is an entry in ClinVar:

NM_021044.4(DHH):c.174C>A (p.Gly58=)

Genes: DHH (desert hedgehog signaling molecule; minus strand), DHH-AS1 (DHH antisense RNA 1; plus strand). Cytogenetic location: 12q13.12.
Variant type: single nucleotide variant.
Coding change: c.174C>A on transcript NM_021044.4 (MANE Select); coding-DNA position 174, C replaced by A.
Protein change: p.Gly58=; no amino-acid change (glycine 58 retained).
Molecular consequence: synonymous variant.
Genome position (GRCh38, 1-based): chr12:49,094,339, G>T on the plus strand (C>A on the coding strand, the complement: DHH is on the minus strand). VCF-style: chr12-49094339-G-T. GRCh37 (hg19) VCF-style: chr12-49488122-G-T.
Other names: c.174C>A (NM_021044.3).
Identifiers: ClinVar variation 1541814 (VCV001541814.10), dbSNP rs376829299, ClinGen allele CA6549242.
Genomic context (GRCh38, chr12:49,094,339, plus strand): 5'-CACGAGGTCCCGGAAGCGCTCGGAGCCCCTTGCCACCCTCCCCTCCGCTGGCCCACTGGC[G>T]CCCAGGGTCCGCTCTGGCACGCCGGGCACAAATTGCTTGTAGAGTAGCGGCACGAGCTGC-3'
Protein context (NP_066382.1, residues 48-68): FVPGVPERTL[Gly58=]ASGPAEGRVA

ClinVar aggregate classification (germline): Likely benign. Review status: criteria provided, single submitter (1 of 4 stars). 2 submissions from 2 submitters: Likely benign (1). 1 of the submissions does not count toward it. Last evaluated 2022-07-30.

Conditions:
46,XY sex reversal 7. Also called: GONADAL DYSGENESIS, XY, MALE-LIMITED; DHH-Related 46,XY complete gonadal dysgenesis; 46,XY GONADAL DYSGENESIS, PARTIAL OR COMPLETE, DHH-RELATED; 46,XY SEX REVERSAL, PARTIAL OR COMPLETE, DHH-RELATED. Identifiers: Orphanet 242, MedGen C1856273, MONDO:0009301, OMIM 233420.
DHH-related disorder. Also called: DHH-related condition.

Allele frequency attached by ClinVar (database versions not stated): gnomAD 0.00001; TOPMed 0.00002; ExAC 0.00003; gnomAD exomes 0.00003 and 0.00004; ESP Exome Variant Server 0.00008.
gnomAD v4.1: 57 of 1,612,994 alleles (0.0035%); highest among the groups gnomAD compares: Middle Eastern, 0.016%; no homozygotes.

Submissions (2):

Labcorp Genetics (formerly Invitae), Labcorp
Classification: Likely benign for 46,XY sex reversal 7. Last evaluated: 2022-07-30. Review status: criteria provided, single submitter. Criteria: Invitae Variant Classification Sherloc (09022015). Collection method: clinical testing. Allele origin: germline.

PreventionGenetics, part of Exact Sciences
Classification: Likely benign for DHH-related condition. Last evaluated: 2019-07-11. Review status: no assertion criteria provided. Collection method: clinical testing. Allele origin: germline. Not counted in ClinVar's aggregate classification.
Comment: This variant is classified as likely benign based on ACMG/AMP sequence variant interpretation guidelines (Richards et al. 2015 PMID: 25741868, with internal and published modifications).